The following is an entry in ClinVar:

NM_001042492.3(NF1):c.7062+1G>A

Gene: NF1 (neurofibromin 1; plus strand). Cytogenetic location: 17q11.2.
Variant type: single nucleotide variant.
Coding change: c.7062+1G>A on transcript NM_001042492.3 (MANE Select); the canonical splice donor site of the intron after coding-DNA position 7062, G replaced by A.
Molecular consequence: splice donor variant.
Genome position (GRCh38, 1-based): chr17:31,340,646, G>A. VCF-style: chr17-31340646-G-A. GRCh37 (hg19) VCF-style: chr17-29667664-G-A.
Other names: c.6999+1G>A (NM_000267.4).
Identifiers: ClinVar variation 216066 (VCV000216066.10), dbSNP rs863224492, ClinGen allele CA339558.

ClinVar aggregate classification (germline): Pathogenic. Review status: criteria provided, multiple submitters, no conflicts (2 of 4 stars). 3 submissions from 3 submitters: Pathogenic (3). Last evaluated 2022-11-15.

Conditions:
Cardiovascular phenotype. Identifiers: MedGen CN230736.
Hereditary cancer-predisposing syndrome. Also called: Tumor predisposition; Hereditary Cancer Syndrome; Neoplastic Syndromes, Hereditary; Hereditary neoplastic syndrome. Identifiers: Orphanet 140162, MedGen C0027672, MeSH D009386, MONDO:0015356.
Neurofibromatosis, type 1 (NF1). Also called: VON RECKLINGHAUSEN DISEASE; Peripheral type neurofibromatosis; Neurofibromatosis, type I; NEUROFIBROMATOSIS, TYPE I, SOMATIC. Identifiers: Orphanet 636, MedGen C0027831, MONDO:0018975, OMIM 162200. Disease mechanism: loss of function.

Submissions (3):

Labcorp Genetics (formerly Invitae), Labcorp
Classification: Pathogenic for Neurofibromatosis, type 1. Last evaluated: 2022-11-15. Review status: criteria provided, single submitter. Criteria: Invitae Variant Classification Sherloc (09022015). Collection method: clinical testing. Allele origin: germline.
Comment: This variant is not present in population databases (gnomAD no frequency). For these reasons, this variant has been classified as Pathogenic. Algorithms developed to predict the effect of sequence changes on RNA splicing suggest that this variant may disrupt the consensus splice site. ClinVar contains an entry for this variant (Variation ID: 216066). Disruption of this splice site has been observed in individuals with neurofibromatosis type 1 (PMID: 17311297, 26740943). This sequence change affects a donor splice site in intron 46 of the NF1 gene. It is expected to disrupt RNA splicing. Variants that disrupt the donor or acceptor splice site typically lead to a loss of protein function (PMID: 16199547), and loss-of-function variants in NF1 are known to be pathogenic (PMID: 10712197, 23913538).

Genome-Nilou Lab
Classification: Pathogenic for Neurofibromatosis, type 1. Last evaluated: 2022-03-15. Review status: criteria provided, single submitter. Criteria: ACMG Guidelines, 2015. Collection method: clinical testing. Allele origin: germline. Affected: no.

Ambry Genetics
Classification: Pathogenic for Cardiovascular phenotype; Hereditary cancer-predisposing syndrome. Last evaluated: 2016-07-28. Review status: criteria provided, single submitter. Criteria: Ambry Variant Classification Scheme 2023. Collection method: clinical testing. Allele origin: germline.
Comment: The c.6999+1G>A intronic pathogenic mutation results from a G to A substitution one nucleotide after coding exon 46 of the NF1 gene. This mutation has been reported in at least one individual meeting diagnostic criteria for neurofibromatosis type I (Wimmer K et al. Hum. Mutat., 2007 Jun;28:599-612). Using two different splice site prediction tools, this alteration is predicted to abolish the native splice donor site and to significantly weaken (but not abolish) the efficiency of the native splice donor site by BDGP and ESEfinder, respectively; however, direct evidence is unavailable. Alterations that disrupt the canonical splice site are expected to cause aberrant splicing, resulting in an abnormal protein or a transcript that is subject to nonsense-mediated mRNA decay. As such, this alteration is classified as pathogenic.

Literature cited by the submitters: PubMed 17311297 (cited by Labcorp Genetics (formerly Invitae), Labcorp); PubMed 26740943 (cited by Labcorp Genetics (formerly Invitae), Labcorp); PubMed 16199547 (cited by Labcorp Genetics (formerly Invitae), Labcorp); PubMed 10712197 (cited by Labcorp Genetics (formerly Invitae), Labcorp); PubMed 23913538 (cited by Labcorp Genetics (formerly Invitae), Labcorp).